The following is an entry in ClinVar:

ClinVar aggregate classification (germline): Uncertain significance. Review status: criteria provided, multiple submitters, no conflicts (2 of 4 stars). 3 submissions from 3 submitters: Uncertain significance (3). Last evaluated 2024-11-25.

Conditions:
Neuromuscular disease caused by qualitative or quantitative defects of dysferlin. Also called: Dysferlinopathy; Qualitative or quantitative defects of dysferlin. Identifiers: Orphanet 207073, MedGen C2931687, MONDO:0016145.

Allele frequency attached by ClinVar (database versions not stated): gnomAD 0.00005; TOPMed 0.00006; ExAC 0.00008; gnomAD exomes 0.00012; ESP Exome Variant Server 0.00015.
gnomAD v4.1: 189 of 1,614,014 alleles (0.012%); highest among the groups gnomAD compares: Non-Finnish European, 0.015%; no homozygotes.

Submissions (3):

Blueprint Genetics
Classification: Uncertain significance. Last evaluated: 2024-11-25. Review status: criteria provided, single submitter. Criteria: ACMG Guidelines, 2015. Collection method: clinical testing. Allele origin: germline.

Labcorp Genetics (formerly Invitae), Labcorp
Classification: Uncertain significance for Neuromuscular disease caused by qualitative or quantitative defects of dysferlin. Last evaluated: 2022-10-17. Review status: criteria provided, single submitter. Criteria: Invitae Variant Classification Sherloc (09022015). Collection method: clinical testing. Allele origin: germline.
Comment: This sequence change replaces proline, which is neutral and non-polar, with histidine, which is basic and polar, at codon 1432 of the DYSF protein (p.Pro1432His). This variant is present in population databases (rs142776870, gnomAD 0.01%). This variant has not been reported in the literature in individuals affected with DYSF-related conditions. Advanced modeling of protein sequence and biophysical properties (such as structural, functional, and spatial information, amino acid conservation, physicochemical variation, residue mobility, and thermodynamic stability) has been performed at Invitae for this missense variant, however the output from this modeling did not meet the statistical confidence thresholds required to predict the impact of this variant on DYSF protein function. In summary, the available evidence is currently insufficient to determine the role of this variant in disease. Therefore, it has been classified as a Variant of Uncertain Significance.

Revvity Omics, Revvity
Classification: Uncertain significance. Last evaluated: 2019-04-01. Review status: criteria provided, single submitter. Criteria: ACMG Guidelines, 2015. Collection method: clinical testing. Allele origin: germline.

NM_001130987.2(DYSF):c.4349C>A (p.Pro1450His)

Gene: DYSF (dysferlin; plus strand). Cytogenetic location: 2p13.2.
Variant type: single nucleotide variant.
Coding change: c.4349C>A on transcript NM_001130987.2 (MANE Select); coding-DNA position 4349, C replaced by A.
Protein change: p.Pro1450His; replaces proline 1450 with histidine.
Molecular consequence: missense variant.
Genome position (GRCh38, 1-based): chr2:71,612,768, C>A. VCF-style: chr2-71612768-C-A. GRCh37 (hg19) VCF-style: chr2-71839898-C-A.
Other names: c.4298C>A, p.Pro1433His (NM_001130455.2, NM_001130983.2); c.4253C>A, p.Pro1418His (NM_001130976.2, NM_001130977.2); c.4295C>A, p.Pro1432His (NM_001130978.2, NM_003494.4); c.4388C>A, p.Pro1463His (NM_001130979.2); c.4346C>A, p.Pro1449His (NM_001130980.2, NM_001130981.2); c.4391C>A, p.Pro1464His (NM_001130982.2); c.4256C>A, p.Pro1419His (NM_001130984.2, NM_001130986.2); c.4349C>A, p.Pro1450His (NM_001130985.2); short protein forms P1418H, P1419H, P1449H, P1433H, P1464H, P1432H, P1463H, P1450H.
Identifiers: ClinVar variation 2036638 (VCV002036638.5), dbSNP rs142776870, ClinGen allele CA1706970.